The following is an entry in ClinVar:

ClinVar aggregate classification (germline): Uncertain significance. Review status: criteria provided, multiple submitters, no conflicts (2 of 4 stars). 2 submissions from 2 submitters: Uncertain significance (2). Last evaluated 2025-04-16.

Allele frequency attached by ClinVar (database versions not stated): gnomAD exomes below 0.00001; gnomAD 0.00001; ExAC 0.00001; ESP Exome Variant Server 0.00008; TOPMed 0.00001.

Submissions (2):

Labcorp Genetics (formerly Invitae), Labcorp
Classification: Uncertain significance. Last evaluated: 2025-04-16. Review status: criteria provided, single submitter. Criteria: Invitae Variant Classification Sherloc (09022015). Collection method: clinical testing. Allele origin: germline.
Comment: This sequence change replaces cysteine, which is neutral and slightly polar, with arginine, which is basic and polar, at codon 594 of the ADCY10 protein (p.Cys594Arg). This variant is present in population databases (rs144926259, gnomAD 0.008%). This variant has not been reported in the literature in individuals affected with ADCY10-related conditions. ClinVar contains an entry for this variant (Variation ID: 2391900). An algorithm developed to predict the effect of missense changes on protein structure and function (PolyPhen-2) suggests that this variant is likely to be disruptive. In summary, the available evidence is currently insufficient to determine the role of this variant in disease. Therefore, it has been classified as a Variant of Uncertain Significance.

Ambry Genetics
Classification: Uncertain significance. Last evaluated: 2022-11-30. Review status: criteria provided, single submitter. Criteria: Ambry Variant Classification Scheme 2023. Collection method: clinical testing. Allele origin: germline.

NM_018417.6(ADCY10):c.1780T>C (p.Cys594Arg)

Gene: ADCY10 (adenylate cyclase 10; minus strand). Cytogenetic location: 1q24.2.
Variant type: single nucleotide variant.
Coding change: c.1780T>C on transcript NM_018417.6 (MANE Select); coding-DNA position 1780, T replaced by C.
Protein change: p.Cys594Arg; replaces cysteine 594 with arginine.
Molecular consequence: missense variant.
Genome position (GRCh38, 1-based): chr1:167,860,900, A>G on the plus strand (T>C on the coding strand, the complement: ADCY10 is on the minus strand). VCF-style: chr1-167860900-A-G. GRCh37 (hg19) VCF-style: chr1-167830138-A-G.
Other names: c.1321T>C, p.Cys441Arg (NM_001167749.3); c.1504T>C, p.Cys502Arg (NM_001297772.2); short protein forms C441R, C502R, C594R.
Identifiers: ClinVar variation 2391900 (VCV002391900.4), dbSNP rs144926259, ClinGen allele CA1227850.